The following is an entry in ClinVar:

NM_015072.5(TTLL5):c.1156A>G (p.Ser386Gly)

Gene: TTLL5 (tubulin tyrosine ligase like 5; plus strand). Cytogenetic location: 14q24.3.
Variant type: single nucleotide variant.
Coding change: c.1156A>G on transcript NM_015072.5 (MANE Select); coding-DNA position 1156, A replaced by G.
Protein change: p.Ser386Gly; replaces serine 386 with glycine.
Molecular consequence: missense variant.
Genome position (GRCh38, 1-based): chr14:75,734,020, A>G. VCF-style: chr14-75734020-A-G. GRCh37 (hg19) VCF-style: chr14-76200363-A-G.
Other names: short protein forms S386G.
Identifiers: ClinVar variation 1016086 (VCV001016086.6), dbSNP rs745555170, ClinGen allele CA7279258.

ClinVar aggregate classification (germline): Uncertain significance. Review status: criteria provided, multiple submitters, no conflicts (2 of 4 stars). 2 submissions from 2 submitters: Uncertain significance (2). Last evaluated 2022-08-16.

Allele frequency attached by ClinVar (database versions not stated): gnomAD exomes below 0.00001 and 0.00001; TOPMed 0.00001; ExAC 0.00002.
gnomAD v4.1: 4 of 1,614,080 alleles (0.00025%); highest among the groups gnomAD compares: Admixed American, 0.0017%; no homozygotes.

Submissions (2):

Labcorp Genetics (formerly Invitae), Labcorp
Classification: Uncertain significance. Last evaluated: 2022-08-16. Review status: criteria provided, single submitter. Criteria: Invitae Variant Classification Sherloc (09022015). Collection method: clinical testing. Allele origin: germline.
Comment: In summary, the available evidence is currently insufficient to determine the role of this variant in disease. Therefore, it has been classified as a Variant of Uncertain Significance. Algorithms developed to predict the effect of sequence changes on RNA splicing suggest that this variant may create or strengthen a splice site. Algorithms developed to predict the effect of missense changes on protein structure and function (SIFT, PolyPhen-2, Align-GVGD) all suggest that this variant is likely to be tolerated. ClinVar contains an entry for this variant (Variation ID: 1016086). This variant has not been reported in the literature in individuals affected with TTLL5-related conditions. This variant is present in population databases (rs745555170, gnomAD 0.006%). This sequence change replaces serine, which is neutral and polar, with glycine, which is neutral and non-polar, at codon 386 of the TTLL5 protein (p.Ser386Gly).

Blueprint Genetics
Classification: Uncertain significance. Last evaluated: 2020-09-16. Review status: criteria provided, single submitter. Criteria: ACMG Guidelines, 2015. Collection method: clinical testing. Allele origin: germline.